The following is an entry in ClinVar:

ClinVar aggregate classification (germline): Uncertain significance (1 of 4 stars; one submission).

Submission:

GeneDx
Classification: Uncertain significance. Last evaluated: 2024-10-17. Review status: criteria provided, single submitter. Criteria: GeneDx Variant Classification Process June 2021. Collection method: clinical testing. Allele origin: germline. Affected: yes.
Comment: Has not been previously published as pathogenic or benign to our knowledge; Frameshift variant predicted to result in protein truncation or nonsense mediated decay in a gene for which loss-of-function is a known mechanism of disease; Not observed at significant frequency in large population cohorts (gnomAD); Reported using an alternate transcript of the gene

NM_015107.3(PHF8):c.2129+51dup

Gene: PHF8 (PHD finger protein 8; minus strand). Cytogenetic location: Xp11.22.
Variant type: Duplication.
Coding change: c.2129+51dup on transcript NM_015107.3 (MANE Select); 51 bases into the intron after coding-DNA position 2129, one base duplicated (C; older notation c.2129+51dupC).
Molecular consequence: intron variant. On other transcripts: frameshift variant (1).
Genome position (GRCh38, 1-based): chrX:53,985,765, G duplicated on the plus strand (C on the coding strand, the reverse complement: PHF8 is on the minus strand); the first of 5 consecutive G bases (chrX:53,985,765-53,985,769); duplicating any one gives the same sequence. VCF-style (leftmost placement, unchanged base first): chrX-53985764-C-CG. GRCh37 (hg19) VCF-style: chrX-54012197-C-CG.
Other names: c.2058dup, p.Ala687fs (NM_001184898.2); c.2237+51dup (NM_001184896.1); c.1826+51dup (NM_001184897.2); short protein forms A687fs.
Identifiers: ClinVar variation 3781001 (VCV003781001.1).